The following is an entry in ClinVar:

NM_052947.4(ALPK2):c.355G>T (p.Asp119Tyr)

Gene: ALPK2 (alpha kinase 2; minus strand). Cytogenetic location: 18q21.31.
Variant type: single nucleotide variant.
Coding change: c.355G>T on transcript NM_052947.4 (MANE Select); coding-DNA position 355, G replaced by T.
Protein change: p.Asp119Tyr; replaces aspartic acid 119 with tyrosine.
Molecular consequence: missense variant.
Genome position (GRCh38, 1-based): chr18:58,580,421, C>A on the plus strand (G>T on the coding strand, the complement: ALPK2 is on the minus strand). VCF-style: chr18-58580421-C-A. GRCh37 (hg19) VCF-style: chr18-56247653-C-A.
Other names: short protein forms D119Y.
Identifiers: ClinVar variation 1732692 (VCV001732692.2), dbSNP rs2518900351, ClinGen allele CA402568164.

ClinVar aggregate classification (germline): Uncertain significance (1 of 4 stars; one submission).

Submission:

Ambry Genetics
Classification: Uncertain significance. Last evaluated: 2022-08-24. Review status: criteria provided, single submitter. Criteria: Ambry Variant Classification Scheme 2023. Collection method: clinical testing. Allele origin: germline.
Comment: The p.D119Y variant (also known as c.355G>T), located in coding exon 3 of the ALPK2 gene, results from a G to T substitution at nucleotide position 355. The aspartic acid at codon 119 is replaced by tyrosine, an amino acid with highly dissimilar properties. This amino acid position is conserved. In addition, this alteration is predicted to be tolerated by in silico analysis. Since supporting evidence is limited at this time, the clinical significance of this alteration remains unclear.